The following is an entry in ClinVar:

ClinVar aggregate classification (germline): Uncertain significance. Review status: criteria provided, multiple submitters, no conflicts (2 of 4 stars). 5 submissions from 5 submitters: Uncertain significance (5). Last evaluated 2025-07-02.

Conditions:
Hereditary cancer-predisposing syndrome. Also called: Tumor predisposition; Hereditary neoplastic syndrome; Neoplastic Syndromes, Hereditary; Hereditary Cancer Syndrome. Identifiers: Orphanet 140162, MedGen C0027672, MeSH D009386, MONDO:0015356.
Pheochromocytoma. Also called: MAX-Related Hereditary Paraganglioma-Pheochromocytoma Syndrome. Identifiers: Orphanet 29072, MedGen C0031511, MONDO:0008233, OMIM 171300, HP:0002666.
Pheochromocytoma/paraganglioma syndrome 4. Also called: SDHB-Related Hereditary Paraganglioma-Pheochromocytoma Syndrome (Paragangliomas 4); CAROTID BODY TUMORS AND MULTIPLE EXTRAADRENAL PHEOCHROMOCYTOMAS; PARAGANGLIOMA, FAMILIAL MALIGNANT; PARAGANGLIOMAS, HEREDITARY EXTRAADRENAL; SDHB-Related Hereditary Paraganglioma-Pheochromocytoma Syndrome; PHEOCHROMOCYTOMA, FAMILIAL EXTRAADRENAL. Identifiers: Orphanet 29072, MedGen C1861848, MONDO:0007273, OMIM 115310.
Gastrointestinal stromal tumor. Also called: Gastrointestinal stroma tumor; Gastrointestinal stromal tumor, somatic. Identifiers: Orphanet 44890, MedGen C0238198, MeSH D046152, MONDO:0011719, OMIM 606764, HP:0100723.
Hereditary pheochromocytoma and paraganglioma. Also called: Hereditary Paraganglioma-Pheochromocytoma Syndromes; Hereditary paragangliomas and pheochromocytomas; Hereditary pheochromocytoma-paraganglioma. Identifiers: Orphanet 29072, MedGen C4274332, MONDO:0017366.

Allele frequency attached by ClinVar (database versions not stated): gnomAD exomes below 0.00001; TOPMed below 0.00001.
gnomAD v4.1: 3 of 1,612,472 alleles (0.00019%); highest among the groups gnomAD compares: Non-Finnish European, 0.00025%; no homozygotes.

Submissions (5):

Labcorp Genetics (formerly Invitae), Labcorp
Classification: Uncertain significance for Gastrointestinal stromal tumor; Pheochromocytoma/paraganglioma syndrome 4; Pheochromocytoma. Last evaluated: 2025-07-02. Review status: criteria provided, single submitter. Criteria: Invitae Variant Classification Sherloc (09022015). Collection method: clinical testing. Allele origin: germline.
Comment: This sequence change replaces leucine, which is neutral and non-polar, with valine, which is neutral and non-polar, at codon 23 of the SDHB protein (p.Leu23Val). This variant is not present in population databases (gnomAD no frequency). This variant has not been reported in the literature in individuals affected with SDHB-related conditions. ClinVar contains an entry for this variant (Variation ID: 452783). Invitae Evidence Modeling of protein sequence and biophysical properties (such as structural, functional, and spatial information, amino acid conservation, physicochemical variation, residue mobility, and thermodynamic stability) indicates that this missense variant is not expected to disrupt SDHB protein function with a negative predictive value of 95%. In summary, the available evidence is currently insufficient to determine the role of this variant in disease. Therefore, it has been classified as a Variant of Uncertain Significance.

All of Us Research Program, National Institutes of Health
Classification: Uncertain significance for Hereditary pheochromocytoma and paraganglioma. Last evaluated: 2024-09-23. Review status: criteria provided, single submitter. Criteria: ACMG Guidelines, 2015. Collection method: clinical testing. Allele origin: germline. Inheritance: Autosomal dominant inheritance. Observed: 4 variant alleles, 4 heterozygotes.
Comment: This missense variant replaces leucine with valine at codon 23 of the SDHB protein. Computational prediction suggests that this variant may not impact protein structure and function (internally defined REVEL score threshold <= 0.5, PMID: 27666373). To our knowledge, functional studies have not been reported for this variant. This variant has not been reported in individuals affected with SDHB-related disorders in the literature. This variant has not been identified in the general population by the Genome Aggregation Database (gnomAD). The available evidence is insufficient to determine the role of this variant in disease conclusively. Therefore, this variant is classified as a Variant of Uncertain Significance.

This study involves interpretation of variants in research participants for the purpose of population health screening. Participant phenotype was not available at the time of variant classification. Additional details can be found in publication PMID: 35346344, PMCID: PMC8962531

Baylor Genetics
Classification: Uncertain significance for Gastrointestinal stromal tumor. Last evaluated: 2024-03-24. Review status: criteria provided, single submitter. Criteria: ACMG Guidelines, 2015. Collection method: clinical testing. Allele origin: unknown.

Ambry Genetics
Classification: Uncertain significance for Hereditary cancer-predisposing syndrome. Last evaluated: 2023-12-14. Review status: criteria provided, single submitter. Criteria: Ambry Variant Classification Scheme 2023. Collection method: clinical testing. Allele origin: germline.
Comment: The p.L23V variant (also known as c.67C>G), located in coding exon 1 of the SDHB gene, results from a C to G substitution at nucleotide position 67. The leucine at codon 23 is replaced by valine, an amino acid with highly similar properties. This amino acid position is well conserved in available vertebrate species. In addition, the in silico prediction for this alteration is inconclusive. Since supporting evidence is limited at this time, the clinical significance of this alteration remains unclear.

GeneDx
Classification: Uncertain significance. Last evaluated: 2020-02-12. Review status: criteria provided, single submitter. Criteria: GeneDx Variant Classification Process June 2021. Collection method: clinical testing. Allele origin: germline. Affected: yes.
Comment: Not observed in large population cohorts (Lek 2016); In silico analysis supports that this missense variant does not alter protein structure/function; Has not been previously published as pathogenic or benign to our knowledge

NM_003000.3(SDHB):c.67C>G (p.Leu23Val)

Genes: SDHB (succinate dehydrogenase complex iron sulfur subunit B; minus strand), LOC129929542 (ATAC-STARR-seq lymphoblastoid active region 277; plus strand). Cytogenetic location: 1p36.13.
Variant type: single nucleotide variant.
Coding change: c.67C>G on transcript NM_003000.3 (MANE Select); coding-DNA position 67, C replaced by G.
Protein change: p.Leu23Val; replaces leucine 23 with valine.
Molecular consequence: missense variant.
Genome position (GRCh38, 1-based): chr1:17,053,953, G>C on the plus strand (C>G on the coding strand, the complement: SDHB is on the minus strand). VCF-style: chr1-17053953-G-C. GRCh37 (hg19) VCF-style: chr1-17380448-G-C.
Other names: short protein forms L23V.
Identifiers: ClinVar variation 452783 (VCV000452783.15), dbSNP rs1553179319, ClinGen allele CA338230609.
Genomic context (GRCh38, chr1:17,053,953, plus strand): 5'-CAGGCAGTCTCTGTGGCTTTCCTGACTTTTCCCTCTCTGAGGCTCCAGGACTCACCTGCA[G>C]GCAGGCTCCGCCAAGGGTTGTGGCCGGCAACCGGCGCCTCAAGGAGAGGGCGACCACCGC-3'
Protein context (NP_002991.2, residues 13-33): LPATTLGGAC[Leu23Val]QASRGAQTAA